The following is an entry in ClinVar:

ClinVar aggregate classification (germline): Uncertain significance (1 of 4 stars; one submission).

Allele frequency attached by ClinVar (database versions not stated): ExAC 0.00002.
gnomAD v4.1: 30 of 1,607,624 alleles (0.0019%); highest among the groups gnomAD compares: African/African-American, 0.016%; no homozygotes.

Submission:

Labcorp Genetics (formerly Invitae), Labcorp
Classification: Uncertain significance. Last evaluated: 2023-04-24. Review status: criteria provided, single submitter. Criteria: Invitae Variant Classification Sherloc (09022015). Collection method: clinical testing. Allele origin: germline.
Comment: ClinVar contains an entry for this variant (Variation ID: 2421946). In summary, the available evidence is currently insufficient to determine the role of this variant in disease. Therefore, it has been classified as a Variant of Uncertain Significance. Algorithms developed to predict the effect of missense changes on protein structure and function output the following: SIFT: "Not Available"; PolyPhen-2: "Not Available"; Align-GVGD: "Not Available". The cysteine amino acid residue is found in multiple mammalian species, which suggests that this missense change does not adversely affect protein function. This variant has not been reported in the literature in individuals affected with PCLO-related conditions. This variant is present in population databases (rs373217000, gnomAD 0.0009%). This sequence change replaces arginine, which is basic and polar, with cysteine, which is neutral and slightly polar, at codon 1228 of the PCLO protein (p.Arg1228Cys).

NM_033026.6(PCLO):c.3682C>T (p.Arg1228Cys)

Gene: PCLO (piccolo presynaptic cytomatrix protein; minus strand). Cytogenetic location: 7q21.11.
Variant type: single nucleotide variant.
Coding change: c.3682C>T on transcript NM_033026.6 (MANE Select); coding-DNA position 3682, C replaced by T.
Protein change: p.Arg1228Cys; replaces arginine 1228 with cysteine.
Molecular consequence: missense variant.
Genome position (GRCh38, 1-based): chr7:82,966,106, G>A on the plus strand (C>T on the coding strand, the complement: PCLO is on the minus strand). VCF-style: chr7-82966106-G-A. GRCh37 (hg19) VCF-style: chr7-82595422-G-A.
Other names: c.3682C>T, p.Arg1228Cys (NM_014510.3); short protein forms R1228C.
Identifiers: ClinVar variation 2421946 (VCV002421946.4), dbSNP rs373217000, ClinGen allele CA4320985.
Genomic context (GRCh38, chr7:82,966,106, plus strand): 5'-GCTTTTTGTCTTCAGGGGTTGGCTTTTTTTCTTCTAGGAGTGGCTTTTTTTCTTCAGAAC[G>A]TATCTTTTCTTCTTCAGGGATTAGTTTTTTTTCTTCAGGGAGTGGCTTTTTTTCTTGAAG-3'
Protein context (NP_149015.2, residues 1218-1238): KKLIPEEEKI[Arg1228Cys]SEEKKPLLEE